The following is an entry in ClinVar:

ClinVar aggregate classification (germline): Pathogenic/Likely pathogenic. Review status: criteria provided, multiple submitters, no conflicts (2 of 4 stars). 4 submissions from 4 submitters: Pathogenic (2); Likely pathogenic (2). Last evaluated 2026-08-06.

Conditions:
Bartter disease type 1. Also called: HYPERPROSTAGLANDIN E SYNDROME 1; HYPOKALEMIC ALKALOSIS WITH HYPERCALCIURIA 1, ANTENATAL; Bartter Syndrome type 1; Bartter syndrome, type 1, antenatal. Identifiers: Orphanet 112, Orphanet 620217, MedGen C1866495, MONDO:0100344, OMIM 601678, MONDO:0011127.

Allele frequency attached by ClinVar (database versions not stated): gnomAD exomes below 0.00001.
gnomAD v4.1: 3 of 1,613,800 alleles (0.00019%); highest among the groups gnomAD compares: Non-Finnish European, 0.00017%; no homozygotes.

Submissions (4):

OLLIN Analises Genomicas, OLLIN
Classification: Likely pathogenic for Bartter disease type 1. Last evaluated: 2026-08-06. Review status: criteria provided, single submitter. Criteria: ACMG Guidelines 2015 PMID 25741868. Collection method: clinical testing. Allele origin: germline. Inheritance: Autosomal recessive inheritance.
Comment: This nonsense variant, located in exon 21 (of 27), has been reported in ClinVar (accession VCV001180662.4) and in gnomAD with an allele frequency of 0.00019%. However, to our knowledge, it has not been reported in the scientific literature. This variant introduces a premature stop codon, which is predicted to result in either a truncated protein or degradation of the mRNA via nonsense-mediated decay (NMD). According to the currently available evidence, this variant has been classified as likely pathogenic (PVS1, PM2_P).

Labcorp Genetics (formerly Invitae), Labcorp
Classification: Pathogenic. Last evaluated: 2024-03-21. Review status: criteria provided, single submitter. Criteria: Invitae Variant Classification Sherloc (09022015). Collection method: clinical testing. Allele origin: germline.
Comment: This sequence change creates a premature translational stop signal (p.Lys862*) in the SLC12A1 gene. It is expected to result in an absent or disrupted protein product. Loss-of-function variants in SLC12A1 are known to be pathogenic (PMID: 8640224, 9585600, 19096086). This variant is present in population databases (no rsID available, gnomAD 0.0009%). This premature translational stop signal has been observed in individual(s) with Bartter syndrome (PMID: 36305432). ClinVar contains an entry for this variant (Variation ID: 1180662). For these reasons, this variant has been classified as Pathogenic.

Department of Pathology and Laboratory Medicine, Sinai Health System
Classification: Likely pathogenic for Bartter disease type 1. Last evaluated: 2023-08-29. Review status: criteria provided, single submitter. Criteria: ACMG Guidelines, 2015. Collection method: research. Allele origin: germline.

Kariminejad - Najmabadi Pathology & Genetics Center
Classification: Pathogenic. Last evaluated: 2021-07-10. Review status: criteria provided, single submitter. Criteria: ACMG Guidelines, 2015. Collection method: clinical testing. Allele origin: germline. Affected: yes.

Literature cited by the submitters: PubMed 8640224 (cited by Labcorp Genetics (formerly Invitae), Labcorp); PubMed 9585600 (cited by Labcorp Genetics (formerly Invitae), Labcorp); PubMed 19096086 (cited by Labcorp Genetics (formerly Invitae), Labcorp); PubMed 36305432 (cited by Labcorp Genetics (formerly Invitae), Labcorp).

NM_000338.3(SLC12A1):c.2584A>T (p.Lys862Ter)

Gene: SLC12A1 (solute carrier family 12 member 1; plus strand). Cytogenetic location: 15q21.1.
Variant type: single nucleotide variant.
Coding change: c.2584A>T on transcript NM_000338.3 (MANE Select); coding-DNA position 2584, A replaced by T.
Protein change: p.Lys862Ter; replaces lysine 862 with a stop codon.
Molecular consequence: nonsense.
Genome position (GRCh38, 1-based): chr15:48,285,204, A>T. VCF-style: chr15-48285204-A-T. GRCh37 (hg19) VCF-style: chr15-48577401-A-T.
Other names: c.2584A>T, p.Lys862Ter (NM_001184832.2, NM_001384136.1); short protein forms K862*.
Identifiers: ClinVar variation 1180662 (VCV001180662.5), dbSNP rs1318795841, ClinGen allele CA392317289.